The following is an entry in ClinVar:

ClinVar aggregate classification (germline): Likely benign (1 of 4 stars; one submission).

Allele frequency attached by ClinVar (database versions not stated): ExAC 0.00059; gnomAD 0.00385.

Submission:

CeGaT Center for Human Genetics Tuebingen
Classification: Likely benign. Last evaluated: 2023-08-01. Review status: criteria provided, single submitter. Criteria: CeGaT Center For Human Genetics Tuebingen Variant Classification Criteria Version 2. Collection method: clinical testing. Allele origin: germline. Affected: yes. Observed: 1 variant allele.
Comment: MUC4: BS2

NM_018406.7(MUC4):c.8572T>C (p.Ser2858Pro)

Gene: MUC4 (mucin 4, cell surface associated). Cytogenetic location: 3q29.
Variant type: single nucleotide variant.
Coding change: c.8572T>C on transcript NM_018406.7 (MANE Select); coding-DNA position 8572, T replaced by C.
Protein change: p.Ser2858Pro; replaces serine 2858 with proline.
Molecular consequence: missense variant. On other transcripts: genic upstream transcript variant (2).
Genome position (GRCh38, 1-based): chr3:195,783,008, A>G on the plus strand (T>C on the coding strand, the complement: MUC4 is on the minus strand). VCF-style: chr3-195783008-A-G. GRCh37 (hg19) VCF-style: chr3-195509879-A-G.
Other names: c.12379T>C, p.Ser4127Pro (NM_001322468.1); c.83-8703T>C (NM_138297.5); c.83-4553T>C (NM_004532.6); short protein forms S2858P, S4127P.
Identifiers: ClinVar variation 2654444 (VCV002654444.24), dbSNP rs1002931894, ClinGen allele CA2771464.